The following is an entry in ClinVar:

ClinVar aggregate classification (germline): Uncertain significance (1 of 4 stars; one submission).

Conditions:
Hereditary spastic paraplegia 11. Also called: Nakamura Osame syndrome; Autosomal recessive hereditary spastic paraplegia, mental impairment, and thin corpus callosum; SPASTIC PARAPLEGIA, AUTOSOMAL RECESSIVE, COMPLICATED, WITH THIN CORPUS CALLOSUM; SPASTIC PARAPLEGIA, AUTOSOMAL RECESSIVE, WITH MENTAL IMPAIRMENT AND THIN CORPUS CALLOSUM; Spastic Paraplegia 11; Spastic paraplegia, mental retardation and thin corpus callosum. Identifiers: Orphanet 2822, MedGen C1858479, MONDO:0011445, OMIM 604360.

Allele frequency attached by ClinVar (database versions not stated): TOPMed below 0.00001; gnomAD exomes 0.00001.

Submission:

Labcorp Genetics (formerly Invitae), Labcorp
Classification: Uncertain significance for Hereditary spastic paraplegia 11. Last evaluated: 2022-05-19. Review status: criteria provided, single submitter. Criteria: Invitae Variant Classification Sherloc (09022015). Collection method: clinical testing. Allele origin: germline.
Comment: This sequence change replaces serine, which is neutral and polar, with leucine, which is neutral and non-polar, at codon 1877 of the SPG11 protein (p.Ser1877Leu). This variant is present in population databases (no rsID available, gnomAD 0.02%). This variant has not been reported in the literature in individuals affected with SPG11-related conditions. Algorithms developed to predict the effect of missense changes on protein structure and function are either unavailable or do not agree on the potential impact of this missense change (SIFT: "Tolerated"; PolyPhen-2: "Possibly Damaging"; Align-GVGD: "Class C0"). In summary, the available evidence is currently insufficient to determine the role of this variant in disease. Therefore, it has been classified as a Variant of Uncertain Significance.

NM_025137.4(SPG11):c.5630C>T (p.Ser1877Leu)

Gene: SPG11 (SPG11 vesicle trafficking associated, spatacsin; minus strand). Cytogenetic location: 15q21.1.
Variant type: single nucleotide variant.
Coding change: c.5630C>T on transcript NM_025137.4 (MANE Select); coding-DNA position 5630, C replaced by T.
Protein change: p.Ser1877Leu; replaces serine 1877 with leucine.
Molecular consequence: missense variant.
Genome position (GRCh38, 1-based): chr15:44,584,050, G>A on the plus strand (C>T on the coding strand, the complement: SPG11 is on the minus strand). VCF-style: chr15-44584050-G-A. GRCh37 (hg19) VCF-style: chr15-44876248-G-A.
Other names: c.5630C>T, p.Ser1877Leu (NM_001160227.2); c.5486C>T, p.Ser1829Leu (NM_001411132.1); short protein forms S1829L, S1877L.
Identifiers: ClinVar variation 2166028 (VCV002166028.1), dbSNP rs1346348927, ClinGen allele CA392221782.
Genomic context (GRCh38, chr15:44,584,050, plus strand): 5'-ACTCTACTTGCTTCATGCACACAGCCATCATCCAGTAGGCGCCCAATCAAAAAGTTTAGT[G>A]ACTCCTGCTCTTTCCAATCCAATCTATTCTCGCATGTCTCTTTGGATGGAAGGCTGTTAA-3'
Protein context (NP_079413.3, residues 1867-1887): ENRLDWKEQE[Ser1877Leu]LNFLIGRLLD